The following is an entry in ClinVar:

ClinVar aggregate classification (germline): Uncertain significance (1 of 4 stars; one submission).

Allele frequency attached by ClinVar (database versions not stated): gnomAD exomes below 0.00001.
gnomAD v4.1: 1 of 1,343,570 alleles (0.000074%); highest among the groups gnomAD compares: Non-Finnish European, 0.000096%; no homozygotes.

Submission:

Labcorp Genetics (formerly Invitae), Labcorp
Classification: Uncertain significance. Last evaluated: 2022-09-01. Review status: criteria provided, single submitter. Criteria: Invitae Variant Classification Sherloc (09022015). Collection method: clinical testing. Allele origin: germline.
Comment: In summary, the available evidence is currently insufficient to determine the role of this variant in disease. Therefore, it has been classified as a Variant of Uncertain Significance. Algorithms developed to predict the effect of missense changes on protein structure and function are either unavailable or do not agree on the potential impact of this missense change (SIFT: "Tolerated"; PolyPhen-2: "Not Available"; Align-GVGD: "Class C0"). ClinVar contains an entry for this variant (Variation ID: 852494). This variant has not been reported in the literature in individuals affected with HMX1-related conditions. This variant is not present in population databases (gnomAD no frequency). This sequence change replaces aspartic acid, which is acidic and polar, with glycine, which is neutral and non-polar, at codon 50 of the HMX1 protein (p.Asp50Gly).

NM_018942.3(HMX1):c.149A>G (p.Asp50Gly)

Gene: HMX1 (H6 family homeobox 1; minus strand). Cytogenetic location: 4p16.1.
Variant type: single nucleotide variant.
Coding change: c.149A>G on transcript NM_018942.3 (MANE Select); coding-DNA position 149, A replaced by G.
Protein change: p.Asp50Gly; replaces aspartic acid 50 with glycine.
Molecular consequence: missense variant.
Genome position (GRCh38, 1-based): chr4:8,871,466, T>C on the plus strand (A>G on the coding strand, the complement: HMX1 is on the minus strand). VCF-style: chr4-8871466-T-C. GRCh37 (hg19) VCF-style: chr4-8873192-T-C.
Other names: c.149A>G, p.Asp50Gly (NM_001306142.2); short protein forms D50G.
Identifiers: ClinVar variation 852494 (VCV000852494.11), dbSNP rs1722220367, ClinGen allele CA356279251.